The following is an entry in ClinVar:

ClinVar aggregate classification (germline): Benign (1 of 4 stars; one submission).

Allele frequency attached by ClinVar (database versions not stated): ExAC 0.00122; ESP Exome Variant Server 0.00154; gnomAD exomes 0.00171.
gnomAD v4.1: 2,709 of 1,613,930 alleles (0.17%); highest among the groups gnomAD compares: Non-Finnish European, 0.21%; 4 homozygotes.

Submissions (4):

CeGaT Center for Human Genetics Tuebingen
Classification: Benign. Last evaluated: 2022-06-01. Review status: criteria provided, single submitter. Criteria: CeGaT Center For Human Genetics Tuebingen Variant Classification Criteria Version 2. Collection method: clinical testing. Allele origin: germline. Affected: yes. Observed: 2 variant alleles.
Comment: RABGAP1L: BS1, BS2

Dr. Peter K. Rogan Lab, Western University
No classification provided (evidence only). Condition: Clear cell carcinoma of kidney. Review status: no classification provided. Collection method: in vitro. Allele origin: not applicable. Functional consequence: retained intron. Not counted in ClinVar's aggregate classification.

Dr. Peter K. Rogan Lab, Western University
No classification provided (evidence only). Condition: Melanoma. Review status: no classification provided. Collection method: in vitro. Allele origin: not applicable. Functional consequence: retained intron. Not counted in ClinVar's aggregate classification.

Dr. Peter K. Rogan Lab, Western University
No classification provided (evidence only). Condition: Acute myeloid leukemia. Review status: no classification provided. Collection method: in vitro. Allele origin: not applicable. Functional consequence: retained intron. Not counted in ClinVar's aggregate classification.

NM_001366446.1(RABGAP1L):c.234A>G (p.Gln78=)

Gene: RABGAP1L (RAB GTPase activating protein 1 like; plus strand). Cytogenetic location: 1q25.1.
Variant type: single nucleotide variant.
Coding change: c.234A>G on transcript NM_001366446.1 (MANE Select); coding-DNA position 234, A replaced by G.
Protein change: p.Gln78=; no amino-acid change (glutamine 78 retained).
Molecular consequence: synonymous variant. On other transcripts: non-coding transcript variant (2).
Genome position (GRCh38, 1-based): chr1:174,221,067, A>G. VCF-style: chr1-174221067-A-G. GRCh37 (hg19) VCF-style: chr1-174190205-A-G.
Other names: NC_000001.10:g.174190205A>G; c.123A>G, p.Gln41= (NM_001366445.1, NM_001366447.1); c.234A>G, p.Gln78= (NM_001366448.1, NM_014857.5).
Identifiers: ClinVar variation 2639569 (VCV002639569.25), dbSNP rs17854182, ClinGen allele CA1252357.